The following is an entry in ClinVar:

NM_014003.4(DHX38):c.2200G>A (p.Val734Met)

Gene: DHX38 (DEAH-box helicase 38; plus strand). Cytogenetic location: 16q22.2.
Variant type: single nucleotide variant.
Coding change: c.2200G>A on transcript NM_014003.4 (MANE Select); coding-DNA position 2200, G replaced by A.
Protein change: p.Val734Met; replaces valine 734 with methionine.
Molecular consequence: missense variant.
Genome position (GRCh38, 1-based): chr16:72,105,075, G>A. VCF-style: chr16-72105075-G-A. GRCh37 (hg19) VCF-style: chr16-72138974-G-A.
Other names: short protein forms V734M.
Identifiers: ClinVar variation 1389926 (VCV001389926.6), dbSNP rs747627084, ClinGen allele CA396711293.

ClinVar aggregate classification (germline): Uncertain significance (1 of 4 stars; one submission).

gnomAD v4.1: 2 of 1,614,212 alleles (0.00012%); highest among the groups gnomAD compares: Non-Finnish European, 0.00017%; no homozygotes.

Submission:

Labcorp Genetics (formerly Invitae), Labcorp
Classification: Uncertain significance. Last evaluated: 2022-07-04. Review status: criteria provided, single submitter. Criteria: Invitae Variant Classification Sherloc (09022015). Collection method: clinical testing. Allele origin: germline.
Comment: This sequence change replaces valine, which is neutral and non-polar, with methionine, which is neutral and non-polar, at codon 734 of the DHX38 protein (p.Val734Met). This variant is not present in population databases (gnomAD no frequency). This variant has not been reported in the literature in individuals affected with DHX38-related conditions. ClinVar contains an entry for this variant (Variation ID: 1389926). Algorithms developed to predict the effect of missense changes on protein structure and function are either unavailable or do not agree on the potential impact of this missense change (SIFT: "Deleterious"; PolyPhen-2: "Possibly Damaging"; Align-GVGD: "Class C0"). In summary, the available evidence is currently insufficient to determine the role of this variant in disease. Therefore, it has been classified as a Variant of Uncertain Significance.